The following is an entry in ClinVar:

NM_001134363.3(RBM20):c.352A>G (p.Thr118Ala)

Gene: RBM20 (RNA binding motif protein 20; plus strand). Cytogenetic location: 10q25.2.
Variant type: single nucleotide variant.
Coding change: c.352A>G on transcript NM_001134363.3 (MANE Select); coding-DNA position 352, A replaced by G.
Protein change: p.Thr118Ala; replaces threonine 118 with alanine.
Molecular consequence: missense variant.
Genome position (GRCh38, 1-based): chr10:110,780,961, A>G. VCF-style: chr10-110780961-A-G. GRCh37 (hg19) VCF-style: chr10-112540719-A-G.
Other names: short protein forms T118A.
Identifiers: ClinVar variation 238555 (VCV000238555.6), dbSNP rs878854253, ClinGen allele CA10582700.
Genomic context (GRCh38, chr10:110,780,961, plus strand): 5'-CTCACCCTCCACCGGCTGAAGCTGGCACAGACAGCTGTCACCAACAACACTGCAGCCGCC[A>G]CAGTCCTGAACCAAGTCCTCTCCAAAGTGGCCATGTCCCAGCCTCTCTTCAATCAACTGA-3'
Protein context (NP_001127835.2, residues 108-128): TAVTNNTAAA[Thr118Ala]VLNQVLSKVA

ClinVar aggregate classification (germline): Uncertain significance (1 of 4 stars; one submission).

Conditions:
Dilated cardiomyopathy 1DD (CMD1DD). Identifiers: Orphanet 154, MedGen C2750995, MONDO:0013168, OMIM 613172.

Allele frequency attached by ClinVar (database versions not stated): gnomAD exomes below 0.00001 and 0.00001.
gnomAD v4.1: 6 of 1,551,668 alleles (0.00039%); highest among the groups gnomAD compares: South Asian, 0.0059%; no homozygotes.

Submission:

Labcorp Genetics (formerly Invitae), Labcorp
Classification: Uncertain significance for Dilated cardiomyopathy 1DD. Last evaluated: 2025-02-03. Review status: criteria provided, single submitter. Criteria: Invitae Variant Classification Sherloc (09022015). Collection method: clinical testing. Allele origin: germline.
Comment: This sequence change replaces threonine, which is neutral and polar, with alanine, which is neutral and non-polar, at codon 118 of the RBM20 protein (p.Thr118Ala). This variant is present in population databases (no rsID available, gnomAD 0.009%). This variant has not been reported in the literature in individuals affected with RBM20-related conditions. ClinVar contains an entry for this variant (Variation ID: 238555). Invitae Evidence Modeling of protein sequence and biophysical properties (such as structural, functional, and spatial information, amino acid conservation, physicochemical variation, residue mobility, and thermodynamic stability) has been performed for this missense variant. However, the output from this modeling did not meet the statistical confidence thresholds required to predict the impact of this variant on RBM20 protein function. In summary, the available evidence is currently insufficient to determine the role of this variant in disease. Therefore, it has been classified as a Variant of Uncertain Significance.